The following is an entry in ClinVar:

NM_000545.8(HNF1A):c.242T>C (p.Phe81Ser)

Gene: HNF1A (HNF1 homeobox A; plus strand). Cytogenetic location: 12q24.31.
Variant type: single nucleotide variant.
Coding change: c.242T>C on transcript NM_000545.8 (MANE Select); coding-DNA position 242, T replaced by C.
Protein change: p.Phe81Ser; replaces phenylalanine 81 with serine.
Molecular consequence: missense variant.
Genome position (GRCh38, 1-based): chr12:120,979,010, T>C. VCF-style: chr12-120979010-T-C. GRCh37 (hg19) VCF-style: chr12-121416813-T-C.
Other names: c.242T>C, p.Phe81Ser (NM_001306179.2); short protein forms F81S.
Identifiers: ClinVar variation 591691 (VCV000591691.2), dbSNP rs1565880245, ClinGen allele CA386954004.
Genomic context (GRCh38, chr12:120,979,010, plus strand): 5'-CCAATGGGCTGGGGGAGACTCGGGGCTCCGAGGACGAGACGGACGACGATGGGGAAGACT[T>C]CACGCCACCCATCCTCAAAGAGCTGGAGAACCTCAGCCCTGAGGAGGCGGCCCACCAGAA-3'
Protein context (NP_000536.6, residues 71-91): EDETDDDGED[Phe81Ser]TPPILKELEN

ClinVar aggregate classification (germline): Likely risk allele. Review status: criteria provided, single submitter (1 of 4 stars). 2 submissions from 2 submitters: Likely risk allele (1). 1 of the submissions does not count toward it.

Conditions:
Maturity-onset diabetes of the young (MODY). Also called: Maturity onset diabetes mellitus in young. Identifiers: Orphanet 552, MedGen C0342276, MONDO:0018911, HP:0004904.

Allele frequency attached by ClinVar (database versions not stated): gnomAD exomes 0.00001.
gnomAD v4.1: 4 of 1,610,204 alleles (0.00025%); highest among the groups gnomAD compares: East Asian, 0.0089%; no homozygotes.

Submissions (2):

Clinical Genomics, Uppaluri K&H Personalized Medicine Clinic
Classification: Likely risk allele for Maturity-onset diabetes of the young. Review status: criteria provided, single submitter. Criteria: K & H Uppaluri Personalized Medicine Clinic Variant Classification & Assertion Criteria_Updated V.1. Collection method: research. Allele origin: unknown. Inheritance: Autosomal dominant inheritance.
Comment: Mutations in HNF1A gene can predispose to MODY3. It is associated with both micro and macrovascular complications of diabetes, especially cardiovascular complications. Associated with glucosuria. May respond well to sulfonylureas. However, more evidence is required to confer the association of this particular variant rs1565880245 with MODY3.

Gharavi Laboratory, Columbia University
Classification: Uncertain significance. Last evaluated: 2018-09-16. Review status: no assertion criteria provided. Criteria: ACMG Guidelines, 2015. Collection method: research. Allele origin: germline. Affected: yes. Not counted in ClinVar's aggregate classification.

Literature cited by the submitters: PubMed 31517624 (cited by Clinical Genomics, Uppaluri K&H Personalized Medicine Clinic); PubMed 32395877 (cited by Clinical Genomics, Uppaluri K&H Personalized Medicine Clinic); PubMed 35328643 (cited by Clinical Genomics, Uppaluri K&H Personalized Medicine Clinic); PubMed 35673428 (cited by Clinical Genomics, Uppaluri K&H Personalized Medicine Clinic).